The following is an entry in ClinVar:

ClinVar aggregate classification (germline): Benign. Review status: criteria provided, single submitter (1 of 4 stars). 2 submissions from 2 submitters: Benign (1). 1 of the submissions does not count toward it. Last evaluated 2018-07-31.

Conditions:
PCSK5-related disorder. Also called: PCSK5-related condition.

Allele frequency attached by ClinVar (database versions not stated): gnomAD exomes 0.00008 and 0.00019; ExAC 0.00031; ESP Exome Variant Server 0.00070; 1000 Genomes Project 0.00080; TOPMed 0.00102; 1000 Genomes Project 30x 0.00109; gnomAD 0.00110 and 0.00116.
gnomAD v4.1: 284 of 1,556,386 alleles (0.018%); highest among the groups gnomAD compares: African/African-American, 0.37%; 2 homozygotes.

Submissions (2):

Labcorp Genetics (formerly Invitae), Labcorp
Classification: Benign. Last evaluated: 2018-07-31. Review status: criteria provided, single submitter. Criteria: Invitae Variant Classification Sherloc (09022015). Collection method: clinical testing. Allele origin: germline.

PreventionGenetics, part of Exact Sciences
Classification: Likely benign for PCSK5-related condition. Last evaluated: 2021-02-15. Review status: no assertion criteria provided. Collection method: clinical testing. Allele origin: germline. Not counted in ClinVar's aggregate classification.
Comment: This variant is classified as likely benign based on ACMG/AMP sequence variant interpretation guidelines (Richards et al. 2015 PMID: 25741868, with internal and published modifications).

NM_001372043.1(PCSK5):c.3605-7C>T

Gene: PCSK5 (proprotein convertase subtilisin/kexin type 5; plus strand). Cytogenetic location: 9q21.13.
Variant type: single nucleotide variant.
Coding change: c.3605-7C>T on transcript NM_001372043.1 (MANE Select); 7 bases into the intron before coding-DNA position 3605, C replaced by T.
Molecular consequence: intron variant.
Genome position (GRCh38, 1-based): chr9:76,308,638, C>T. VCF-style: chr9-76308638-C-T. GRCh37 (hg19) VCF-style: chr9-78923554-C-T.
Other names: c.3524-7C>T (NM_001190482.2).
Identifiers: ClinVar variation 727680 (VCV000727680.5), dbSNP rs368204950, ClinGen allele CA5087643.